The following is an entry in ClinVar:

ClinVar aggregate classification (germline): Conflicting classifications of pathogenicity. Review status: criteria provided, conflicting classifications (1 of 4 stars). 4 submissions from 4 submitters: Uncertain significance (1); Benign (1); Likely benign (2). Last evaluated 2026-01-28.

Conditions:
Prostate cancer, hereditary, 9 (HPC9). Identifiers: Orphanet 1331, MedGen C1970250, MONDO:0012597, OMIM 610997.
Hereditary cancer-predisposing syndrome. Also called: Neoplastic Syndromes, Hereditary; Tumor predisposition; Hereditary neoplastic syndrome; Hereditary Cancer Syndrome. Identifiers: Orphanet 140162, MedGen C0027672, MeSH D009386, MONDO:0015356.

Allele frequency attached by ClinVar (database versions not stated): ExAC 0.00001; gnomAD 0.00002; TOPMed 0.00002; gnomAD exomes 0.00004.
gnomAD v4.1: 15 of 1,604,150 alleles (0.00094%); highest among the groups gnomAD compares: East Asian, 0.029%; no homozygotes.

Submissions (4):

Labcorp Genetics (formerly Invitae), Labcorp
Classification: Likely benign. Last evaluated: 2026-01-28. Review status: criteria provided, single submitter. Criteria: Invitae Variant Classification Sherloc (09022015). Collection method: clinical testing. Allele origin: germline.

Quest Diagnostics Nichols Institute San Juan Capistrano
Classification: Benign. Last evaluated: 2025-04-04. Review status: criteria provided, single submitter. Criteria: Quest Diagnostics criteria. Collection method: clinical testing. Allele origin: unknown.

Ambry Genetics
Classification: Uncertain significance for Hereditary cancer-predisposing syndrome. Last evaluated: 2025-02-28. Review status: criteria provided, single submitter. Criteria: Ambry Variant Classification Scheme 2023. Collection method: clinical testing. Allele origin: germline.
Comment: The c.602-5C>T intronic variant results from a C to T substitution 5 nucleotides upstream from coding exon 2 in the HOXB13 gene. This nucleotide position is poorly conserved in available vertebrate species. In silico splice site analysis predicts that this alteration will not have any significant effect on splicing. Based on the available evidence, the clinical significance of this variant remains unclear.

Myriad Genetics, Inc.
Classification: Likely benign for Prostate cancer, hereditary, 9. Last evaluated: 2024-10-30. Review status: criteria provided, single submitter. Criteria: Myriad Autosomal Dominant, Autosomal Recessive and X-Linked Classification Criteria (2023). Collection method: clinical testing. Allele origin: unknown.
Comment: This variant is considered likely benign. This variant is intronic and is not expected to impact mRNA splicing.

NM_006361.6(HOXB13):c.602-5C>T

Gene: HOXB13 (homeobox B13; minus strand). Cytogenetic location: 17q21.32.
Variant type: single nucleotide variant.
Coding change: c.602-5C>T on transcript NM_006361.6 (MANE Select); 5 bases into the intron before coding-DNA position 602, C replaced by T.
Molecular consequence: intron variant.
Genome position (GRCh38, 1-based): chr17:48,727,048, G>A on the plus strand (C>T on the coding strand, the complement: HOXB13 is on the minus strand). VCF-style: chr17-48727048-G-A. GRCh37 (hg19) VCF-style: chr17-46804410-G-A.
Identifiers: ClinVar variation 826143 (VCV000826143.14), dbSNP rs753501228, ClinGen allele CA8633939.